The following is an entry in ClinVar:

NM_020937.4(FANCM):c.3314G>T (p.Ser1105Ile)

Gene: FANCM (FA complementation group M; plus strand). Cytogenetic location: 14q21.2.
Variant type: single nucleotide variant.
Coding change: c.3314G>T on transcript NM_020937.4 (MANE Select); coding-DNA position 3314, G replaced by T.
Protein change: p.Ser1105Ile; replaces serine 1105 with isoleucine.
Molecular consequence: missense variant.
Genome position (GRCh38, 1-based): chr14:45,176,068, G>T. VCF-style: chr14-45176068-G-T. GRCh37 (hg19) VCF-style: chr14-45645271-G-T.
Other names: c.3236G>T, p.Ser1079Ile (NM_001308133.2); short protein forms S1079I, S1105I.
Identifiers: ClinVar variation 3253153 (VCV003253153.1), dbSNP rs2503189615.

ClinVar aggregate classification (germline): Uncertain significance (1 of 4 stars; one submission).

gnomAD v4.1: 1 of 1,614,054 alleles (0.000062%); no homozygotes.

Submission:

GeneDx
Classification: Uncertain significance. Last evaluated: 2023-08-03. Review status: criteria provided, single submitter. Criteria: GeneDx Variant Classification Process June 2021. Collection method: clinical testing. Allele origin: germline. Affected: yes.
Comment: Not observed at significant frequency in large population cohorts (gnomAD); In silico analysis supports that this missense variant does not alter protein structure/function; Has not been previously published as pathogenic or benign to our knowledge